The following is an entry in ClinVar:

NM_003361.4(UMOD):c.*130C>T

Gene: UMOD (uromodulin; minus strand). Cytogenetic location: 16p12.3.
Variant type: single nucleotide variant.
Coding change: c.*130C>T on transcript NM_003361.4 (MANE Select); 130 bases downstream of the stop codon, C replaced by T.
Molecular consequence: 3 prime UTR variant. On other transcripts: non-coding transcript variant (1).
Genome position (GRCh38, 1-based): chr16:20,333,184, G>A on the plus strand (C>T on the coding strand, the complement: UMOD is on the minus strand). VCF-style: chr16-20333184-G-A. GRCh37 (hg19) VCF-style: chr16-20344506-G-A.
Other names: c.*130C>T (NM_001008389.3, NM_001278614.2, NM_001378232.1 and 3 more transcripts).
Identifiers: ClinVar variation 318278 (VCV000318278.10), dbSNP rs113468667, ClinGen allele CA10647988.

ClinVar aggregate classification (germline): Benign. Review status: criteria provided, multiple submitters, no conflicts (2 of 4 stars). 3 submissions from 3 submitters: Benign (3). Last evaluated 2021-01-27.

Conditions:
Familial juvenile hyperuricemic nephropathy type 1 (ADTKD1). Also called: Glomerulocystic kidney disease with hyperuricemia and isosthenuria; Medullary cystic kidney disease 2; Autosomal Dominant Tubulointerstitial Kidney Disease – UMOD; UMOD-Associated Kidney Disease; Uromodulin-associated kidney disease. Identifiers: Orphanet 209886, Orphanet 34149, Orphanet 88950, MedGen C4551496, MONDO:0008073, OMIM 162000.

Allele frequency attached by ClinVar (database versions not stated): gnomAD exomes 0.00150; gnomAD 0.01514 and 0.01630; TOPMed 0.01695; 1000 Genomes Project 0.01737; 1000 Genomes Project 30x 0.01858.
gnomAD v4.1: 3,555 of 953,644 alleles (0.37%); highest among the groups gnomAD compares: African/African-American, 5.1%; 84 homozygotes.

Submissions (3):

GeneDx
Classification: Benign. Last evaluated: 2021-01-27. Review status: criteria provided, single submitter. Criteria: GeneDx Variant Classification Process June 2021. Collection method: clinical testing. Allele origin: germline. Affected: yes.

Illumina Laboratory Services, Illumina
Classification: Benign for UMOD-Associated Kidney Disease. Last evaluated: 2017-04-27. Review status: criteria provided, single submitter. Criteria: ICSL Variant Classification Criteria 13 December 2019. Collection method: clinical testing. Allele origin: germline.
Comment: This variant was observed as part of a predisposition screen in an ostensibly healthy population. A literature search was performed for the gene, cDNA change, and amino acid change (where applicable). No publications were found based on this search. Allele frequency data from public databases was too high to be consistent with this variant causing disease. Therefore, this variant is classified as benign.

Breakthrough Genomics
Classification: Benign. Review status: criteria provided, single submitter. Criteria: ACMG Guidelines, 2015. Collection method: not provided. Allele origin: germline. Inheritance: Autosomal dominant inheritance. Affected: yes.